The following is an entry in ClinVar:

ClinVar aggregate classification (germline): Benign. Review status: criteria provided, multiple submitters, no conflicts (2 of 4 stars). 3 submissions from 3 submitters: Benign (3). Last evaluated 2026-01-26.

Conditions:
Multiple endocrine neoplasia, type 2 (MEN2). Identifiers: Orphanet 653, MedGen C4048306, MONDO:0019003. Disease mechanism: gain of function.

Allele frequency attached by ClinVar (database versions not stated): 1000 Genomes Project 0.33946; 1000 Genomes Project 30x 0.35384; gnomAD 0.37985; TOPMed 0.39751.
gnomAD v4.1: 368,468 of 1,104,434 alleles (33%); highest among the groups gnomAD compares: African/African-American, 59%; 65,741 homozygotes.

Submissions (6):

Labcorp Genetics (formerly Invitae), Labcorp
Classification: Benign for Multiple endocrine neoplasia, type 2. Last evaluated: 2026-01-26. Review status: criteria provided, single submitter. Criteria: Invitae Variant Classification Sherloc (09022015). Collection method: clinical testing. Allele origin: germline.

GeneDx
Classification: Benign. Last evaluated: 2018-06-16. Review status: criteria provided, single submitter. Criteria: GeneDx Variant Classification (06012015). Collection method: clinical testing. Allele origin: germline. Affected: yes.
Comment: This variant is considered likely benign or benign based on one or more of the following criteria: it is a conservative change, it occurs at a poorly conserved position in the protein, it is predicted to be benign by multiple in silico algorithms, and/or has population frequency not consistent with disease.

Breakthrough Genomics
Classification: Benign. Review status: criteria provided, single submitter. Criteria: ACMG Guidelines, 2015. Collection method: not provided. Allele origin: germline. Inheritance: Autosomal dominant inheritance. Affected: yes.

Dr. Peter K. Rogan Lab, Western University
No classification provided (evidence only). Condition: Malignant lymphoma, large B-cell, diffuse. Review status: no classification provided. Collection method: in vitro. Allele origin: not applicable. Functional consequence: retained intron. Not counted in ClinVar's aggregate classification.

Dr. Peter K. Rogan Lab, Western University
No classification provided (evidence only). Condition: Thymoma. Review status: no classification provided. Collection method: in vitro. Allele origin: not applicable. Functional consequence: retained intron. Not counted in ClinVar's aggregate classification.

Dr. Peter K. Rogan Lab, Western University
No classification provided (evidence only). Condition: Cholangiocarcinoma. Review status: no classification provided. Collection method: in vitro. Allele origin: not applicable. Functional consequence: retained intron. Not counted in ClinVar's aggregate classification.

NM_020975.6(RET):c.74-126G>T

Gene: RET (ret proto-oncogene; plus strand). Cytogenetic location: 10q11.21.
Variant type: single nucleotide variant.
Coding change: c.74-126G>T on transcript NM_020975.6 (MANE Select); 126 bases into the intron before coding-DNA position 74, G replaced by T.
Molecular consequence: intron variant.
Genome position (GRCh38, 1-based): chr10:43,100,333, G>T. VCF-style: chr10-43100333-G-T. GRCh37 (hg19) VCF-style: chr10-43595781-G-T.
Other names: c.74-126G>T (NM_020630.7, NM_001406743.1, NM_001406744.1 and 32 more transcripts); c.74-8698G>T (NM_001406784.1); c.74-11766G>T (NM_001406794.1, NM_001406792.1, NM_001406793.1).
Identifiers: ClinVar variation 677050 (VCV000677050.12), dbSNP rs2565206, ClinGen allele CA13188620.